The following is an entry in ClinVar:

ClinVar aggregate classification (germline): Uncertain significance. Review status: criteria provided, multiple submitters, no conflicts (2 of 4 stars). 2 submissions from 2 submitters: Uncertain significance (2). Last evaluated 2025-03-27.

Conditions:
Hereditary cancer-predisposing syndrome. Also called: Tumor predisposition; Hereditary Cancer Syndrome; Neoplastic Syndromes, Hereditary; Hereditary neoplastic syndrome. Identifiers: Orphanet 140162, MedGen C0027672, MeSH D009386, MONDO:0015356.
EGFR-related lung cancer (EGFR). Identifiers: MedGen CN130014.

Allele frequency attached by ClinVar (database versions not stated): gnomAD exomes below 0.00001; TOPMed below 0.00001.
gnomAD v4.1: 1 of 1,614,152 alleles (0.000062%); highest among the groups gnomAD compares: Non-Finnish European, 0.000085%; no homozygotes.

Submissions (2):

Ambry Genetics
Classification: Uncertain significance for Hereditary cancer-predisposing syndrome. Last evaluated: 2025-03-27. Review status: criteria provided, single submitter. Criteria: Ambry Variant Classification Scheme 2023. Collection method: clinical testing. Allele origin: germline.
Comment: The p.K642N variant (also known as c.1926G>T), located in coding exon 17 of the EGFR gene, results from a G to T substitution at nucleotide position 1926. The lysine at codon 642 is replaced by asparagine, an amino acid with similar properties. This amino acid position is not well conserved in available vertebrate species. In addition, this alteration is predicted to be tolerated by in silico analysis. Based on the available evidence, the clinical significance of this variant remains unclear.

Labcorp Genetics (formerly Invitae), Labcorp
Classification: Uncertain significance for EGFR-related lung cancer. Last evaluated: 2025-01-12. Review status: criteria provided, single submitter. Criteria: Invitae Variant Classification Sherloc (09022015). Collection method: clinical testing. Allele origin: germline.
Comment: This sequence change replaces lysine, which is basic and polar, with asparagine, which is neutral and polar, at codon 642 of the EGFR protein (p.Lys642Asn). This variant is not present in population databases (gnomAD no frequency). This variant has not been reported in the literature in individuals affected with EGFR-related conditions. ClinVar contains an entry for this variant (Variation ID: 2419541). Invitae Evidence Modeling of protein sequence and biophysical properties (such as structural, functional, and spatial information, amino acid conservation, physicochemical variation, residue mobility, and thermodynamic stability) indicates that this missense variant is not expected to disrupt EGFR protein function with a negative predictive value of 80%. In summary, the available evidence is currently insufficient to determine the role of this variant in disease. Therefore, it has been classified as a Variant of Uncertain Significance.

NM_005228.5(EGFR):c.1926G>T (p.Lys642Asn)

Gene: EGFR (epidermal growth factor receptor; plus strand). Cytogenetic location: 7p11.2.
Variant type: single nucleotide variant.
Coding change: c.1926G>T on transcript NM_005228.5 (MANE Select); coding-DNA position 1926, G replaced by T.
Protein change: p.Lys642Asn; replaces lysine 642 with asparagine.
Molecular consequence: missense variant.
Genome position (GRCh38, 1-based): chr7:55,172,989, G>T. VCF-style: chr7-55172989-G-T. GRCh37 (hg19) VCF-style: chr7-55240682-G-T.
Other names: c.1791G>T, p.Lys597Asn (NM_001346897.2, NM_001346899.2); c.1926G>T, p.Lys642Asn (NM_001346898.2); c.1767G>T, p.Lys589Asn (NM_001346900.2); c.1125G>T, p.Lys375Asn (NM_001346941.2); short protein forms K375N, K589N, K597N, K642N.
Identifiers: ClinVar variation 2419541 (VCV002419541.6), dbSNP rs1786421197, ClinGen allele CA367582852.
Genomic context (GRCh38, chr7:55,172,989, plus strand): 5'-GCCATGGAATCTGTCAGCAACCTCACCCTTCCTTGTTCCTCCACCTCATTCCAGGCCTAA[G>T]ATCCCGTCCATCGCCACTGGGATGGTGGGGGCCCTCCTCTTGCTGCTGGTGGTGGCCCTG-3'
Protein context (NP_005219.2, residues 632-652): GLEGCPTNGP[Lys642Asn]IPSIATGMVG